The following is an entry in ClinVar:

NM_003823.4(TNFRSF6B):c.692_700del (p.Arg231_Leu233del)

Genes: RTEL1-TNFRSF6B (RTEL1-TNFRSF6B readthrough (NMD candidate); plus strand), TNFRSF6B (TNF receptor superfamily member 6b; plus strand). Cytogenetic location: 20q13.33.
Variant type: Deletion.
Coding change: c.692_700del on transcript NM_003823.4 (MANE Select); coding-DNA positions 692 to 700, 9 bases deleted (GGCTGCTGC; older notation c.692_700delGGCTGCTGC).
Protein change: p.Arg231_Leu233del.
Molecular consequence: inframe deletion. On other transcripts: non-coding transcript variant (1).
Genome position (GRCh38, 1-based): chr20:63,698,352-63,698,360, GGCTGCTGC deleted; deleting any 9 consecutive bases within chr20:63,698,350-63,698,360 gives the same sequence; the c. name uses the placement nearest the transcript's 3' end. VCF-style (leftmost placement, unchanged base first): chr20-63698349-AGCGGCTGCT-A. GRCh37 (hg19) VCF-style: chr20-62329702-AGCGGCTGCT-A.
Identifiers: ClinVar variation 2700464 (VCV002700464.3), dbSNP rs1156594484, ClinGen allele CA636615687.

ClinVar aggregate classification (germline): Uncertain significance (1 of 4 stars; one submission).

Submission:

Labcorp Genetics (formerly Invitae), Labcorp
Classification: Uncertain significance. Last evaluated: 2023-12-02. Review status: criteria provided, single submitter. Criteria: Invitae Variant Classification Sherloc (09022015). Collection method: clinical testing. Allele origin: germline.
Comment: This variant, c.692_700del, results in the deletion of 3 amino acid(s) of the TNFRSF6B protein (p.Arg231_Leu233del), but otherwise preserves the integrity of the reading frame. This variant is present in population databases (no rsID available, gnomAD 0.001%). This variant has not been reported in the literature in individuals affected with TNFRSF6B-related conditions. Experimental studies and prediction algorithms are not available or were not evaluated, and the functional significance of this variant is currently unknown. In summary, the available evidence is currently insufficient to determine the role of this variant in disease. Therefore, it has been classified as a Variant of Uncertain Significance.